The following is an entry in ClinVar:

GRCh38/hg38 4p16.3(chr4:78578-117990)x3

Gene: ZNF595 (zinc finger protein 595; plus strand). Cytogenetic location: 4p16.3.
Variant type: copy number gain.
Change: copy number 3 (three copies instead of two) of chr4:78,578-117,990 (39.4 kb, GRCh38 coordinates, 1-based), cytogenetic band 4p16.3.
Identifiers: ClinVar variation 144869 (VCV000144869.1).

ClinVar aggregate classification (germline): conflicting data from submitters (0 of 4 stars; one submission).

Submission:

GeneDx
Classification: conflicting data from submitters. Last evaluated: 2011-04-30. Review status: no assertion criteria provided. Collection method: clinical testing. Allele origin: not provided. Affected: yes. Observed: 4 variant alleles. Clinical features observed: Global developmental delay (HP:0001263), Abnormal facial shape (HP:0001999), Developmental delay AND/OR other significant developmental or morphological phenotypes.
Comment: Uncertain significance(1), Likely benign (1), Benign (2)